The following is an entry in ClinVar:

NM_000548.5(TSC2):c.3884-8C>T

Gene: TSC2 (TSC complex subunit 2; plus strand). Cytogenetic location: 16p13.3.
Variant type: single nucleotide variant.
Coding change: c.3884-8C>T on transcript NM_000548.5 (MANE Select); 8 bases into the intron before coding-DNA position 3884, C replaced by T.
Molecular consequence: intron variant.
Genome position (GRCh38, 1-based): chr16:2,083,687, C>T. VCF-style: chr16-2083687-C-T. GRCh37 (hg19) VCF-style: chr16-2133688-C-T.
Other names: c.3815-8C>T (NM_001114382.3); c.3755-8C>T (NM_021055.3, NM_001370405.1); c.3686-8C>T (NM_001363528.2); c.3752-8C>T (NM_001370404.1); c.3683-8C>T (NM_001077183.3); c.3575-8C>T (NM_001318827.2); c.3152-8C>T (NM_001318831.2); c.3539-8C>T (NM_001318829.2); and 1 more.
Identifiers: ClinVar variation 65299 (VCV000065299.14), dbSNP rs397515219, ClinGen allele CA019665.

ClinVar aggregate classification (germline): Likely benign. Review status: criteria provided, multiple submitters, no conflicts (2 of 4 stars). 4 submissions from 4 submitters: Likely benign (3). 1 of the submissions does not count toward it. Last evaluated 2025-07-14.

Conditions:
Tuberous sclerosis 2 (TSC2). Identifiers: Orphanet 805, MedGen C1860707, MONDO:0013199, OMIM 613254.
Tuberous sclerosis syndrome (TSC). Also called: Tuberous Sclerosis Complex; Tuberous sclerosis. Identifiers: Orphanet 805, MedGen C0041341, MONDO:0001734.

gnomAD v4.1: 3 of 1,575,896 alleles (0.00019%); highest among the groups gnomAD compares: African/African-American, 0.0013%; no homozygotes.

Submissions (4):

Labcorp Genetics (formerly Invitae), Labcorp
Classification: Likely benign for Tuberous sclerosis 2. Last evaluated: 2025-07-14. Review status: criteria provided, single submitter. Criteria: Invitae Variant Classification Sherloc (09022015). Collection method: clinical testing. Allele origin: germline.

Myriad Genetics, Inc.
Classification: Likely benign for Tuberous sclerosis 2. Last evaluated: 2025-06-02. Review status: criteria provided, single submitter. Criteria: Myriad Autosomal Dominant, Autosomal Recessive and X-Linked Classification Criteria (2023). Collection method: clinical testing. Allele origin: unknown.
Comment: This variant is considered likely benign. This variant is intronic and is not expected to impact mRNA splicing.

All of Us Research Program, National Institutes of Health
Classification: Likely benign for Tuberous sclerosis syndrome. Last evaluated: 2024-09-27. Review status: criteria provided, single submitter. Criteria: ACMG Guidelines, 2015. Collection method: clinical testing. Allele origin: germline. Inheritance: Autosomal dominant inheritance. Observed: 2 variant alleles, 2 heterozygotes.
Comment: This study involves interpretation of variants in research participants for the purpose of population health screening. Participant phenotype was not available at the time of variant classification. Additional details can be found in publication PMID: 35346344, PMCID: PMC8962531

Tuberous sclerosis database (TSC2)
No classification provided. Condition: TSC. Review status: no classification provided. Criteria: Tuberous Sclerosis Database Assertion Criteria 2015. Collection method: curation. Allele origin: germline. Affected: yes. Not counted in ClinVar's aggregate classification.